The following is an entry in ClinVar:

ClinVar aggregate classification (germline): Uncertain significance (1 of 4 stars; one submission).

Submission:

GeneDx
Classification: Uncertain significance. Last evaluated: 2025-02-05. Review status: criteria provided, single submitter. Criteria: GeneDx Variant Classification Process June 2021. Collection method: clinical testing. Allele origin: germline. Affected: yes.
Comment: Not observed at significant frequency in large population cohorts (gnomAD); In silico analysis indicates that this missense variant does not alter protein structure/function; In silico analysis suggests this variant may impact gene splicing. In the absence of RNA/functional studies, the actual effect of this sequence change is unknown.; Has not been previously published as pathogenic or benign to our knowledge

NM_001994.3(F13B):c.349G>T (p.Gly117Cys)

Gene: F13B (coagulation factor XIII B chain; minus strand). Cytogenetic location: 1q31.3.
Variant type: single nucleotide variant.
Coding change: c.349G>T on transcript NM_001994.3 (MANE Select); coding-DNA position 349, G replaced by T.
Protein change: p.Gly117Cys; replaces glycine 117 with cysteine.
Molecular consequence: missense variant.
Genome position (GRCh38, 1-based): chr1:197,061,886, C>A on the plus strand (G>T on the coding strand, the complement: F13B is on the minus strand). VCF-style: chr1-197061886-C-A. GRCh37 (hg19) VCF-style: chr1-197031016-C-A.
Other names: short protein forms G117C.
Identifiers: ClinVar variation 4074499 (VCV004074499.1).
Genomic context (GRCh38, chr1:197,061,886, plus strand): 5'-AGAGACATTGAACCACTTCTTCATCCTTCCCTCCAGTGGTTTTGTACCCTGAAGCGCAAC[C>A]ATAACGCATGTTCTCTTGAATTTTATACAATAACTTTACATCAGAGATGTAACCATTACT-3'
Protein context (NP_001985.2, residues 107-127): LYKIQENMRY[Gly117Cys]CASGYKTTGG